The following is an entry in ClinVar:

ClinVar aggregate classification (germline): Likely benign (0 of 4 stars; one submission).

Conditions:
EPHB2-related disorder. Also called: EPHB2-related condition.

Allele frequency attached by ClinVar (database versions not stated): ExAC 0.00006; TOPMed 0.00010; gnomAD 0.00011; ESP Exome Variant Server 0.00015; 1000 Genomes Project 30x 0.00016; 1000 Genomes Project 0.00020.
gnomAD v4.1: 41 of 1,614,200 alleles (0.0025%); highest among the groups gnomAD compares: African/African-American, 0.033%; no homozygotes.

Submission:

PreventionGenetics, part of Exact Sciences
Classification: Likely benign for EPHB2-related condition. Last evaluated: 2019-11-06. Review status: no assertion criteria provided. Collection method: clinical testing. Allele origin: germline.
Comment: This variant is classified as likely benign based on ACMG/AMP sequence variant interpretation guidelines (Richards et al. 2015 PMID: 25741868, with internal and published modifications).

NM_017449.5(EPHB2):c.2415G>A (p.Ser805=)

Gene: EPHB2 (EPH receptor B2; plus strand). Cytogenetic location: 1p36.12.
Variant type: single nucleotide variant.
Coding change: c.2415G>A on transcript NM_017449.5 (MANE Select); coding-DNA position 2415, G replaced by A.
Protein change: p.Ser805=; no amino-acid change (serine 805 retained).
Molecular consequence: synonymous variant.
Genome position (GRCh38, 1-based): chr1:22,909,084, G>A. VCF-style: chr1-22909084-G-A. GRCh37 (hg19) VCF-style: chr1-23235577-G-A.
Other names: c.2241G>A, p.Ser747= (NM_001309192.2); c.2415G>A, p.Ser805= (NM_001309193.2); c.2418G>A, p.Ser806= (NM_004442.7).
Identifiers: ClinVar variation 3045556 (VCV003045556.2), dbSNP rs373295870, ClinGen allele CA678962.